The following is an entry in ClinVar:

ClinVar aggregate classification (germline): Likely benign. Review status: criteria provided, multiple submitters, no conflicts (2 of 4 stars). 4 submissions from 4 submitters: Likely benign (3). 1 of the submissions does not count toward it. Last evaluated 2026-05-01.

Allele frequency attached by ClinVar (database versions not stated): ExAC 0.00016; gnomAD 0.00021 and 0.00023; TOPMed 0.00022; ESP Exome Variant Server 0.00023; gnomAD exomes 0.00032.
gnomAD v4.1: 509 of 1,614,052 alleles (0.032%); highest among the groups gnomAD compares: Non-Finnish European, 0.039%; no homozygotes.

Submissions (4):

CeGaT Center for Human Genetics Tuebingen
Classification: Likely benign. Last evaluated: 2026-05-01. Review status: criteria provided, single submitter. Criteria: CeGaT Center For Human Genetics Tuebingen Variant Classification Criteria Version 2. Collection method: clinical testing. Allele origin: germline. Affected: yes. Observed: 1 variant allele.
Comment: AASS: BP4, BP7

Labcorp Genetics (formerly Invitae), Labcorp
Classification: Likely benign. Last evaluated: 2026-01-05. Review status: criteria provided, single submitter. Criteria: Invitae Variant Classification Sherloc (09022015). Collection method: clinical testing. Allele origin: germline.

Breakthrough Genomics
Classification: Likely benign. Review status: criteria provided, single submitter. Criteria: ACMG Guidelines, 2015. Collection method: not provided. Allele origin: germline. Inheritance: Autosomal recessive inheritance. Affected: yes.

Mayo Clinic Laboratories, Mayo Clinic
Classification: Likely benign. Last evaluated: 2016-02-23. Review status: no assertion criteria provided. Collection method: clinical testing. Allele origin: unknown. Not counted in ClinVar's aggregate classification.

NM_005763.4(AASS):c.168G>A (p.Lys56=)

Gene: AASS (aminoadipate-semialdehyde synthase; minus strand). Cytogenetic location: 7q31.32.
Variant type: single nucleotide variant.
Coding change: c.168G>A on transcript NM_005763.4 (MANE Select); coding-DNA position 168, G replaced by A.
Protein change: p.Lys56=; no amino-acid change (lysine 56 retained).
Molecular consequence: synonymous variant.
Genome position (GRCh38, 1-based): chr7:122,133,559, C>T on the plus strand (G>A on the coding strand, the complement: AASS is on the minus strand). VCF-style: chr7-122133559-C-T. GRCh37 (hg19) VCF-style: chr7-121773613-C-T.
Identifiers: ClinVar variation 559315 (VCV000559315.15), dbSNP rs141727397, ClinGen allele CA4458722.